The following is an entry in ClinVar:

ClinVar aggregate classification (germline): Uncertain significance (1 of 4 stars; one submission).

Allele frequency attached by ClinVar (database versions not stated): TOPMed 0.00002; gnomAD 0.00007; ESP Exome Variant Server 0.00008; gnomAD exomes 0.00012; ExAC 0.00028; 1000 Genomes Project 30x 0.00047; 1000 Genomes Project 0.00060.
gnomAD v4.1: 196 of 1,607,422 alleles (0.012%); highest among the groups gnomAD compares: South Asian, 0.18%; no homozygotes.

Submission:

Labcorp Genetics (formerly Invitae), Labcorp
Classification: Uncertain significance. Last evaluated: 2024-05-13. Review status: criteria provided, single submitter. Criteria: Invitae Variant Classification Sherloc (09022015). Collection method: clinical testing. Allele origin: germline.
Comment: This sequence change replaces glycine, which is neutral and non-polar, with arginine, which is basic and polar, at codon 597 of the OBSL1 protein (p.Gly597Arg). This variant is present in population databases (rs368066456, gnomAD 0.2%). This variant has not been reported in the literature in individuals affected with OBSL1-related conditions. ClinVar contains an entry for this variant (Variation ID: 2170726). An algorithm developed to predict the effect of missense changes on protein structure and function (PolyPhen-2) suggests that this variant¬†is likely to be tolerated. In summary, the available evidence is currently insufficient to determine the role of this variant in disease. Therefore, it has been classified as a Variant of Uncertain Significance.

NM_015311.3(OBSL1):c.1789G>A (p.Gly597Arg)

Gene: OBSL1 (obscurin like cytoskeletal adaptor 1; minus strand). Cytogenetic location: 2q35.
Variant type: single nucleotide variant.
Coding change: c.1789G>A on transcript NM_015311.3 (MANE Select); coding-DNA position 1789, G replaced by A.
Protein change: p.Gly597Arg; replaces glycine 597 with arginine.
Molecular consequence: missense variant.
Genome position (GRCh38, 1-based): chr2:219,567,321, C>T on the plus strand (G>A on the coding strand, the complement: OBSL1 is on the minus strand). VCF-style: chr2-219567321-C-T. GRCh37 (hg19) VCF-style: chr2-220432043-C-T.
Other names: c.1789G>A, p.Gly597Arg (NM_001173408.2, NM_001173431.2); short protein forms G597R.
Identifiers: ClinVar variation 2170726 (VCV002170726.2), dbSNP rs368066456, ClinGen allele CA2131429.
Genomic context (GRCh38, chr2:219,567,321, plus strand): 5'-GGACCAACTCACCAAGGTGAGCAGAACCGTGGAACACCACGTGGGGACTACGGCCATGTC[C>T]GCTGACTGTGCAGATGCGGAAGCGGTAGTCACCCTCGGAGGGCACACAGTCGCCCGGCAC-3'
Protein context (NP_056126.1, residues 587-607): DYRFRICTVS[Gly597Arg]HGRSPHVVFH